The following is an entry in ClinVar:

ClinVar aggregate classification (germline): Uncertain significance. Review status: criteria provided, multiple submitters, no conflicts (2 of 4 stars). 4 submissions from 4 submitters: Uncertain significance (4). Last evaluated 2024-03-29.

Conditions:
Classic or attenuated familial adenomatous polyposis. Identifiers: MedGen CN372698, MONDO:0021057.
Familial adenomatous polyposis 1 (FAP1). Also called: FAMILIAL ADENOMATOUS POLYPOSIS 1, ATTENUATED; POLYPOSIS, ADENOMATOUS INTESTINAL. Identifiers: MedGen C2713442, MONDO:0021056, OMIM 175100. Disease mechanism: loss of function.
Hereditary cancer-predisposing syndrome. Also called: Neoplastic Syndromes, Hereditary; Tumor predisposition; Hereditary Cancer Syndrome; Hereditary neoplastic syndrome. Identifiers: Orphanet 140162, MedGen C0027672, MeSH D009386, MONDO:0015356.

Allele frequency attached by ClinVar (database versions not stated): gnomAD exomes below 0.00001; gnomAD 0.00001.
gnomAD v4.1: 2 of 1,613,798 alleles (0.00012%); highest among the groups gnomAD compares: Non-Finnish European, 0.00017%; no homozygotes.

Submissions (4):

All of Us Research Program, National Institutes of Health
Classification: Uncertain significance for Classic or attenuated familial adenomatous polyposis. Last evaluated: 2024-03-29. Review status: criteria provided, single submitter. Criteria: ACMG Guidelines, 2015. Collection method: clinical testing. Allele origin: germline. Inheritance: Autosomal dominant inheritance. Observed: 1 variant allele, 1 heterozygote.
Comment: This study involves interpretation of variants in research participants for the purpose of population health screening. Participant phenotype was not available at the time of variant classification. Additional details can be found in publication PMID: 35346344, PMCID: PMC8962531

Ambry Genetics
Classification: Uncertain significance for Hereditary cancer-predisposing syndrome. Last evaluated: 2024-03-21. Review status: criteria provided, single submitter. Criteria: Ambry Variant Classification Scheme 2023. Collection method: clinical testing. Allele origin: germline.
Comment: The p.P2351R variant (also known as c.7052C>G), located in coding exon 15 of the APC gene, results from a C to G substitution at nucleotide position 7052. The proline at codon 2351 is replaced by arginine, an amino acid with dissimilar properties. This amino acid position is well conserved in available vertebrate species. In addition, in silico predictors for this gene do not accurately predict pathogenicity. Since supporting evidence is limited at this time, the clinical significance of this alteration remains unclear.

Labcorp Genetics (formerly Invitae), Labcorp
Classification: Uncertain significance for Familial adenomatous polyposis 1. Last evaluated: 2023-12-20. Review status: criteria provided, single submitter. Criteria: Invitae Variant Classification Sherloc (09022015). Collection method: clinical testing. Allele origin: germline.
Comment: This sequence change replaces proline, which is neutral and non-polar, with arginine, which is basic and polar, at codon 2351 of the APC protein (p.Pro2351Arg). This variant is not present in population databases (gnomAD no frequency). This variant has not been reported in the literature in individuals affected with APC-related conditions. ClinVar contains an entry for this variant (Variation ID: 482481). Advanced modeling of protein sequence and biophysical properties (such as structural, functional, and spatial information, amino acid conservation, physicochemical variation, residue mobility, and thermodynamic stability) performed at Invitae indicates that this missense variant is not expected to disrupt APC protein function with a negative predictive value of 95%. In summary, the available evidence is currently insufficient to determine the role of this variant in disease. Therefore, it has been classified as a Variant of Uncertain Significance.

Color Diagnostics, LLC DBA Color Health
Classification: Uncertain significance for Hereditary cancer-predisposing syndrome. Last evaluated: 2023-12-04. Review status: criteria provided, single submitter. Criteria: ACMG Guidelines, 2015. Collection method: clinical testing. Allele origin: germline.
Comment: This missense variant replaces proline with arginine at codon 2351 of the APC protein. Computational prediction is inconclusive regarding the impact of this variant on protein structure and function (internally defined REVEL score threshold 0.5 < inconclusive < 0.7, PMID: 27666373). To our knowledge, functional studies have not been reported for this variant. This variant has not been reported in individuals affected with APC-related disorders in the literature. This variant has not been identified in the general population by the Genome Aggregation Database (gnomAD). The available evidence is insufficient to determine the role of this variant in disease conclusively. Therefore, this variant is classified as a Variant of Uncertain Significance.

NM_000038.6(APC):c.7052C>G (p.Pro2351Arg)

Gene: APC (APC regulator of Wnt signaling pathway; plus strand). Cytogenetic location: 5q22.2.
Variant type: single nucleotide variant.
Coding change: c.7052C>G on transcript NM_000038.6 (MANE Select); coding-DNA position 7052, C replaced by G.
Protein change: p.Pro2351Arg; replaces proline 2351 with arginine.
Molecular consequence: missense variant.
Genome position (GRCh38, 1-based): chr5:112,842,646, C>G. VCF-style: chr5-112842646-C-G. GRCh37 (hg19) VCF-style: chr5-112178343-C-G.
Other names: c.7052C>G, p.Pro2351Arg (NM_001127510.3, NM_001354895.2); c.6998C>G, p.Pro2333Arg (NM_001127511.3); c.7106C>G, p.Pro2369Arg (NM_001354896.2); c.7082C>G, p.Pro2361Arg (NM_001354897.2); c.6977C>G, p.Pro2326Arg (NM_001354898.2); c.6968C>G, p.Pro2323Arg (NM_001354899.2); c.6929C>G, p.Pro2310Arg (NM_001354900.2); c.6875C>G, p.Pro2292Arg (NM_001354901.2); and 5 more; short protein forms P2351R, P2333R, P2068R, P2191R, P2326R, P2361R, P2225R, P2292R.
Identifiers: ClinVar variation 482481 (VCV000482481.20), dbSNP rs1554087955, ClinGen allele CA16036699.